The following is an entry in ClinVar:

NM_020975.6(RET):c.1997A>G (p.Lys666Arg)

Gene: RET (ret proto-oncogene; plus strand). Cytogenetic location: 10q11.21.
Variant type: single nucleotide variant.
Coding change: c.1997A>G on transcript NM_020975.6 (MANE Select); coding-DNA position 1997, A replaced by G.
Protein change: p.Lys666Arg; replaces lysine 666 with arginine.
Molecular consequence: missense variant.
Genome position (GRCh38, 1-based): chr10:43,114,597, A>G. VCF-style: chr10-43114597-A-G. GRCh37 (hg19) VCF-style: chr10-43610045-A-G.
Other names: c.1997A>G, p.Lys666Arg (NM_000323.2, NM_001406743.1, NM_001406744.1 and 4 more transcripts); c.1235A>G, p.Lys412Arg (NM_001355216.2); c.1868A>G, p.Lys623Arg (NM_001406761.1, NM_001406762.1, NM_001406764.1); c.1709A>G, p.Lys570Arg (NM_001406766.1, NM_001406767.1, NM_001406770.1); c.1601A>G, p.Lys534Arg (NM_001406769.1, NM_001406772.1); c.1559A>G, p.Lys520Arg (NM_001406771.1, NM_001406773.1); c.1472A>G, p.Lys491Arg (NM_001406774.1); c.1271A>G, p.Lys424Arg (NM_001406775.1, NM_001406776.1, NM_001406777.1 and 1 more transcripts); and 7 more; short protein forms K666R, K412R, K491R, K570R, K183R, K231R, K424R, K520R.
Identifiers: ClinVar variation 1406184 (VCV001406184.10), dbSNP rs377767439, ClinGen allele CA376553104.

ClinVar aggregate classification (germline): Uncertain significance. Review status: criteria provided, multiple submitters, no conflicts (2 of 4 stars). 3 submissions from 3 submitters: Uncertain significance (3). Last evaluated 2025-12-29.

Conditions:
Multiple endocrine neoplasia, type 2 (MEN2). Identifiers: Orphanet 653, MedGen C4048306, MONDO:0019003. Disease mechanism: gain of function.

gnomAD v4.1: 1 of 1,612,694 alleles (0.000062%); highest among the groups gnomAD compares: Non-Finnish European, 0.000085%; no homozygotes.

Submissions (3):

Center for Genomic Medicine, Rigshospitalet, Copenhagen University Hospital
Classification: Uncertain significance. Last evaluated: 2025-12-29. Review status: criteria provided, single submitter. Criteria: ACMG Guidelines, 2015. Collection method: clinical testing. Allele origin: germline.

All of Us Research Program, National Institutes of Health
Classification: Uncertain significance for Multiple endocrine neoplasia, type 2. Last evaluated: 2024-09-23. Review status: criteria provided, single submitter. Criteria: ACMG Guidelines, 2015. Collection method: clinical testing. Allele origin: germline. Inheritance: Autosomal dominant inheritance. Observed: 1 variant allele, 1 heterozygote.
Comment: This study involves interpretation of variants in research participants for the purpose of population health screening. Participant phenotype was not available at the time of variant classification. Additional details can be found in publication PMID: 35346344, PMCID: PMC8962531

Labcorp Genetics (formerly Invitae), Labcorp
Classification: Uncertain significance for Multiple endocrine neoplasia, type 2. Last evaluated: 2021-07-22. Review status: criteria provided, single submitter. Criteria: Invitae Variant Classification Sherloc (09022015). Collection method: clinical testing. Allele origin: germline.
Comment: In summary, the available evidence is currently insufficient to determine the role of this variant in disease. Therefore, it has been classified as a Variant of Uncertain Significance. This variant disrupts the p.Lys666 amino acid residue in RET. Other variant(s) that disrupt this residue have been determined to be pathogenic (PMID: 15858153, 21678021, 21690267, 24569963, 26269449). This suggests that this residue is clinically significant, and that variants that disrupt this residue are likely to be disease-causing. This sequence change replaces lysine with arginine at codon 666 of the RET protein (p.Lys666Arg). The lysine residue is highly conserved and there is a small physicochemical difference between lysine and arginine. This variant is not present in population databases (ExAC no frequency). This variant has been observed in individual(s) with medullary thyroid cancer (MTC) (PMID: 25319874). ClinVar contains an entry for this variant (Variation ID: 549802). Algorithms developed to predict the effect of missense changes on protein structure and function are either unavailable or do not agree on the potential impact of this missense change (SIFT: "Deleterious"; PolyPhen-2: "Benign"; Align-GVGD: "Class C0"). Algorithms developed to predict the effect of sequence changes on RNA splicing suggest that this variant may create or strengthen a splice site.

Literature cited by the submitters: PubMed 25319874 (cited by Center for Genomic Medicine, Rigshospitalet, Copenhagen University Hospital and Labcorp Genetics (formerly Invitae), Labcorp); PubMed 31447099 (cited by Center for Genomic Medicine, Rigshospitalet, Copenhagen University Hospital); PubMed 31510104 (cited by Center for Genomic Medicine, Rigshospitalet, Copenhagen University Hospital); PubMed 25810047 (cited by Center for Genomic Medicine, Rigshospitalet, Copenhagen University Hospital); PubMed 15858153 (cited by Labcorp Genetics (formerly Invitae), Labcorp); PubMed 21678021 (cited by Labcorp Genetics (formerly Invitae), Labcorp); PubMed 21690267 (cited by Labcorp Genetics (formerly Invitae), Labcorp); PubMed 24569963 (cited by Labcorp Genetics (formerly Invitae), Labcorp); PubMed 26269449 (cited by Labcorp Genetics (formerly Invitae), Labcorp).